The following is an entry in ClinVar:

NM_152384.3(BBS5):c.193T>C (p.Ser65Pro)

Gene: BBS5 (Bardet-Biedl syndrome 5; plus strand). Cytogenetic location: 2q31.1.
Variant type: single nucleotide variant.
Coding change: c.193T>C on transcript NM_152384.3 (MANE Select); coding-DNA position 193, T replaced by C.
Protein change: p.Ser65Pro; replaces serine 65 with proline.
Molecular consequence: missense variant.
Genome position (GRCh38, 1-based): chr2:169,487,119, T>C. VCF-style: chr2-169487119-T-C. GRCh37 (hg19) VCF-style: chr2-170343629-T-C.
Other names: short protein forms S65P.
Identifiers: ClinVar variation 3345910 (VCV003345910.1).

ClinVar aggregate classification (germline): Uncertain significance (0 of 4 stars; one submission).

Conditions:
BBS5-related disorder. Also called: BBS5-related condition.

Submission:

PreventionGenetics, part of Exact Sciences
Classification: Uncertain significance for BBS5-related condition. Last evaluated: 2024-09-24. Review status: no assertion criteria provided. Collection method: clinical testing. Allele origin: germline.
Comment: The BBS5 c.193T>C variant is predicted to result in the amino acid substitution p.Ser65Pro. To our knowledge, this variant has not been reported in the literature or in a large population database, indicating this variant is rare. At this time, the clinical significance of this variant is uncertain due to the absence of conclusive functional and genetic evidence.